The following is an entry in ClinVar:

ClinVar aggregate classification (germline): Uncertain significance (1 of 4 stars; one submission).

Submission:

Labcorp Genetics (formerly Invitae), Labcorp
Classification: Uncertain significance. Last evaluated: 2024-09-06. Review status: criteria provided, single submitter. Criteria: Invitae Variant Classification Sherloc (09022015). Collection method: clinical testing. Allele origin: germline.
Comment: This sequence change replaces leucine, which is neutral and non-polar, with proline, which is neutral and non-polar, at codon 218 of the PROKR2 protein (p.Leu218Pro). This variant is present in population databases (rs774883653, gnomAD 0.02%). This missense change has been observed in individual(s) with Kallmann syndrome and/or normosmic hypogonadotropic hypogonadism (PMID: 30098700, 30576231, 32171629, 35669683, 36123965). Invitae Evidence Modeling of protein sequence and biophysical properties (such as structural, functional, and spatial information, amino acid conservation, physicochemical variation, residue mobility, and thermodynamic stability) indicates that this missense variant is not expected to disrupt PROKR2 protein function with a negative predictive value of 80%. Experimental studies have shown that this missense change affects PROKR2 function (PMID: 30576231). In summary, the available evidence is currently insufficient to determine the role of this variant in disease. Therefore, it has been classified as a Variant of Uncertain Significance.

Literature cited by the submitters: PubMed 30098700; PubMed 30576231; PubMed 32171629; PubMed 35669683; PubMed 36123965.

NM_144773.4(PROKR2):c.653T>C (p.Leu218Pro)

Gene: PROKR2 (prokineticin receptor 2; minus strand). Cytogenetic location: 20p12.3.
Variant type: single nucleotide variant.
Coding change: c.653T>C on transcript NM_144773.4 (MANE Select); coding-DNA position 653, T replaced by C.
Protein change: p.Leu218Pro; replaces leucine 218 with proline.
Molecular consequence: missense variant.
Genome position (GRCh38, 1-based): chr20:5,302,542, A>G on the plus strand (T>C on the coding strand, the complement: PROKR2 is on the minus strand). VCF-style: chr20-5302542-A-G. GRCh37 (hg19) VCF-style: chr20-5283188-A-G.
Other names: short protein forms L218P.
Identifiers: ClinVar variation 3704490 (VCV003704490.2).
Genomic context (GRCh38, chr20:5,302,542, plus strand): 5'-GTGACCACAGGGCCCACGAACTCGACACCAAAGATGAAGAGGAAGTAGGACTTGTAGTAG[A>G]GCTGCTGATCCACAGGCCAGATCTGGCCACAGAAGATCTTCTCCTGGCTCTTGACAATAA-3'
Protein context (NP_658986.1, residues 208-228): CGQIWPVDQQ[Leu218Pro]YYKSYFLFIF